The following is an entry in ClinVar:

ClinVar aggregate classification (germline): Benign (0 of 4 stars; one submission).

Conditions:
TNS1-related disorder. Also called: TNS1-related condition.

Allele frequency attached by ClinVar (database versions not stated): gnomAD exomes 0.32960; ExAC 0.35824; ESP Exome Variant Server 0.39659; gnomAD 0.40071; TOPMed 0.40134; 1000 Genomes Project 0.43510; 1000 Genomes Project 30x 0.43832.
gnomAD v4.1: 525,528 of 1,556,772 alleles (34%); highest among the groups gnomAD compares: African/African-American, 59%; 92,978 homozygotes.

Submission:

PreventionGenetics, part of Exact Sciences
Classification: Benign for TNS1-related condition. Last evaluated: 2019-10-28. Review status: no assertion criteria provided. Collection method: clinical testing. Allele origin: germline.
Comment: This variant is classified as benign based on ACMG/AMP sequence variant interpretation guidelines (Richards et al. 2015 PMID: 25741868, with internal and published modifications).

NM_001387777.1(TNS1):c.2634C>T (p.Ser878=)

Gene: TNS1 (tensin 1; minus strand). Cytogenetic location: 2q35.
Variant type: single nucleotide variant.
Coding change: c.2634C>T on transcript NM_001387777.1 (MANE Select); coding-DNA position 2634, C replaced by T.
Protein change: p.Ser878=; no amino-acid change (serine 878 retained).
Molecular consequence: synonymous variant.
Genome position (GRCh38, 1-based): chr2:217,847,883, G>A on the plus strand (C>T on the coding strand, the complement: TNS1 is on the minus strand). VCF-style: chr2-217847883-G-A. GRCh37 (hg19) VCF-style: chr2-218712606-G-A.
Other names: c.2259C>T, p.Ser753= (NM_001308022.2, NM_001308023.2, NM_022648.7).
Identifiers: ClinVar variation 3059719 (VCV003059719.2), dbSNP rs1364641, ClinGen allele CA2100190.